The following is an entry in ClinVar:

ClinVar aggregate classification (germline): Likely benign. Review status: criteria provided, multiple submitters, no conflicts (2 of 4 stars). 3 submissions from 3 submitters: Likely benign (2). 1 of the submissions does not count toward it. Last evaluated 2024-12-21.

Conditions:
DNMT3A-related disorder. Also called: DNMT3A-related disorders; DNMT3A-related condition.
Tatton-Brown-Rahman overgrowth syndrome. Also called: Tatton-Brown-Rahman syndrome; Tall stature-intellectual disability-facial dysmorphism syndrome. Identifiers: Orphanet 404443, MedGen C4014545, MONDO:0014382, OMIM 615879.
Inborn genetic diseases. Identifiers: MedGen C0950123, MeSH D030342.

Allele frequency attached by ClinVar (database versions not stated): gnomAD exomes below 0.00001.
gnomAD v4.1: 2 of 1,608,058 alleles (0.00012%); highest among the groups gnomAD compares: Admixed American, 0.0017%; no homozygotes.

Submissions (3):

Ambry Genetics
Classification: Likely benign for Inborn genetic diseases. Last evaluated: 2024-12-21. Review status: criteria provided, single submitter. Criteria: Ambry Variant Classification Scheme 2023. Collection method: clinical testing. Allele origin: germline.

Labcorp Genetics (formerly Invitae), Labcorp
Classification: Likely benign for Tatton-Brown-Rahman overgrowth syndrome. Last evaluated: 2024-08-21. Review status: criteria provided, single submitter. Criteria: Invitae Variant Classification Sherloc (09022015). Collection method: clinical testing. Allele origin: germline.

PreventionGenetics, part of Exact Sciences
Classification: Likely benign for DNMT3A-related condition. Last evaluated: 2024-02-15. Review status: no assertion criteria provided. Collection method: clinical testing. Allele origin: germline. Not counted in ClinVar's aggregate classification.
Comment: This variant is classified as likely benign based on ACMG/AMP sequence variant interpretation guidelines (Richards et al. 2015 PMID: 25741868, with internal and published modifications).

NM_022552.5(DNMT3A):c.2181T>C (p.Thr727=)

Gene: DNMT3A (DNA methyltransferase 3 alpha; minus strand). Cytogenetic location: 2p23.3.
Variant type: single nucleotide variant.
Coding change: c.2181T>C on transcript NM_022552.5 (MANE Select); coding-DNA position 2181, T replaced by C.
Protein change: p.Thr727=; no amino-acid change (threonine 727 retained).
Molecular consequence: synonymous variant. On other transcripts: non-coding transcript variant (1).
Genome position (GRCh38, 1-based): chr2:25,240,443, A>G on the plus strand (T>C on the coding strand, the complement: DNMT3A is on the minus strand). VCF-style: chr2-25240443-A-G. GRCh37 (hg19) VCF-style: chr2-25463312-A-G.
Other names: c.1725T>C, p.Thr575= (NM_001320893.1); c.1512T>C, p.Thr504= (NM_001375819.1); c.1614T>C, p.Thr538= (NM_153759.3); c.2181T>C, p.Thr727= (NM_175629.2); c.2181T>C (NM_022552.3).
Identifiers: ClinVar variation 2146186 (VCV002146186.6), dbSNP rs1393923480, ClinGen allele CA425181516.